The following is an entry in ClinVar:

ClinVar aggregate classification (germline): Conflicting classifications of pathogenicity. Review status: criteria provided, conflicting classifications (1 of 4 stars). 3 submissions from 3 submitters: Uncertain significance (2); Likely benign (1). Last evaluated 2021-12-10.

Conditions:
Primary ciliary dyskinesia. Also called: Ciliary dyskinesia. Identifiers: Orphanet 244, MedGen C0008780, MONDO:0016575, HP:0012265.
Primary ciliary dyskinesia 19. Also called: CILIARY DYSKINESIA, PRIMARY, 19, WITH OR WITHOUT SITUS INVERSUS. Identifiers: Orphanet 244, MedGen C3543826, MONDO:0013979, OMIM 614935.

Allele frequency attached by ClinVar (database versions not stated): gnomAD 0.00030 and 0.00032; ESP Exome Variant Server 0.00031; TOPMed 0.00032.
gnomAD v4.1: 85 of 1,613,876 alleles (0.0053%); highest among the groups gnomAD compares: African/African-American, 0.1%; no homozygotes.

Submissions (3):

Fulgent Genetics
Classification: Uncertain significance for Primary ciliary dyskinesia 19. Last evaluated: 2021-12-10. Review status: criteria provided, single submitter. Criteria: ACMG Guidelines, 2015. Collection method: clinical testing. Allele origin: unknown.

Ambry Genetics
Classification: Likely benign for Primary ciliary dyskinesia. Last evaluated: 2021-11-19. Review status: criteria provided, single submitter. Criteria: Ambry Variant Classification Scheme 2023. Collection method: clinical testing. Allele origin: germline.

Labcorp Genetics (formerly Invitae), Labcorp
Classification: Uncertain significance for Primary ciliary dyskinesia 19. Last evaluated: 2021-08-27. Review status: criteria provided, single submitter. Criteria: Invitae Variant Classification Sherloc (09022015). Collection method: clinical testing. Allele origin: germline.
Comment: This sequence change replaces arginine with glutamine at codon 11 of the LRRC6 protein (p.Arg11Gln). The arginine residue is moderately conserved and there is a small physicochemical difference between arginine and glutamine. This variant is present in population databases (rs149894438, ExAC 0.1%). This variant has not been reported in the literature in individuals affected with LRRC6-related conditions. Algorithms developed to predict the effect of missense changes on protein structure and function are either unavailable or do not agree on the potential impact of this missense change (SIFT: "Deleterious"; PolyPhen-2: "Benign"; Align-GVGD: "Class C0"). In summary, the available evidence is currently insufficient to determine the role of this variant in disease. Therefore, it has been classified as a Variant of Uncertain Significance.

NM_012472.6(DNAAF11):c.32G>A (p.Arg11Gln)

Gene: DNAAF11 (dynein axonemal assembly factor 11; minus strand). Cytogenetic location: 8q24.22.
Variant type: single nucleotide variant.
Coding change: c.32G>A on transcript NM_012472.6 (MANE Select); coding-DNA position 32, G replaced by A.
Protein change: p.Arg11Gln; replaces arginine 11 with glutamine.
Molecular consequence: missense variant. On other transcripts: 5 prime UTR variant (4), non-coding transcript variant (7), intron variant (1).
Genome position (GRCh38, 1-based): chr8:132,661,606, C>T on the plus strand (G>A on the coding strand, the complement: DNAAF11 is on the minus strand). VCF-style: chr8-132661606-C-T. GRCh37 (hg19) VCF-style: chr8-133673852-C-T.
Other names: c.32G>A, p.Arg11Gln (NM_001321961.2); c.-329G>A (NM_001321963.2, NM_001321964.2, NM_001321966.2); c.-642G>A (NM_001321965.2); c.10+13878G>A (NM_001321962.2); short protein forms R11Q.
Identifiers: ClinVar variation 845673 (VCV000845673.10), dbSNP rs149894438, ClinGen allele CA4881486.